The following is an entry in ClinVar:

NM_001142864.4(PIEZO1):c.6789G>C (p.Glu2263Asp)

Gene: PIEZO1 (piezo type mechanosensitive ion channel component 1 (Er blood group); minus strand). Cytogenetic location: 16q24.3.
Variant type: single nucleotide variant.
Coding change: c.6789G>C on transcript NM_001142864.4 (MANE Select); coding-DNA position 6789, G replaced by C.
Protein change: p.Glu2263Asp; replaces glutamic acid 2263 with aspartic acid.
Molecular consequence: missense variant.
Genome position (GRCh38, 1-based): chr16:88,716,696, C>G on the plus strand (G>C on the coding strand, the complement: PIEZO1 is on the minus strand). VCF-style: chr16-88716696-C-G. GRCh37 (hg19) VCF-style: chr16-88783104-C-G.
Other names: c.5331G>C, p.Glu1777Asp (NM_014745.1); short protein forms E1777D, E2263D.
Identifiers: ClinVar variation 3026155 (VCV003026155.22), dbSNP rs532093814, ClinGen allele CA397077132.

ClinVar aggregate classification (germline): Uncertain significance (1 of 4 stars; one submission).

Allele frequency attached by ClinVar (database versions not stated): gnomAD exomes below 0.00001.
gnomAD v4.1: 4 of 1,548,606 alleles (0.00026%); highest among the groups gnomAD compares: African/African-American, 0.0027%; no homozygotes.

Submission:

CeGaT Center for Human Genetics Tuebingen
Classification: Uncertain significance. Last evaluated: 2024-02-01. Review status: criteria provided, single submitter. Criteria: CeGaT Center For Human Genetics Tuebingen Variant Classification Criteria Version 2. Collection method: clinical testing. Allele origin: germline. Affected: yes. Observed: 1 variant allele.
Comment: PIEZO1: PM2